The following is an entry in ClinVar:

ClinVar aggregate classification (germline): Uncertain significance (1 of 4 stars; one submission).

Conditions:
Joubert syndrome. Also called: Familial aplasia of the vermis; CEREBELLOPARENCHYMAL DISORDER IV; JOUBERT-BOLTSHAUSER SYNDROME. Identifiers: Orphanet 475, MedGen C5979921, MONDO:0018772.
Meckel-Gruber syndrome. Also called: Dysencephalia splachnocystica; DYSENCEPHALIA SPLANCHNOCYSTICA; GRUBER SYNDROME. Identifiers: Orphanet 564, MedGen C0265215, MONDO:0018921.
Nephronophthisis. Also called: Juvenile Nephronophthisis. Identifiers: Orphanet 655, MedGen C0687120, MONDO:0019005, HP:0000090.

Allele frequency attached by ClinVar (database versions not stated): gnomAD exomes below 0.00001; TOPMed below 0.00001.
gnomAD v4.1: 3 of 1,584,662 alleles (0.00019%); highest among the groups gnomAD compares: African/African-American, 0.0027%; no homozygotes.

Submission:

Labcorp Genetics (formerly Invitae), Labcorp
Classification: Uncertain significance for Joubert syndrome; Meckel-Gruber syndrome; Nephronophthisis. Last evaluated: 2022-07-06. Review status: criteria provided, single submitter. Criteria: Invitae Variant Classification Sherloc (09022015). Collection method: clinical testing. Allele origin: germline.
Comment: Algorithms developed to predict the effect of sequence changes on RNA splicing suggest that this variant may create or strengthen a splice site. Algorithms developed to predict the effect of missense changes on protein structure and function output the following: SIFT: "Tolerated"; PolyPhen-2: "Benign"; Align-GVGD: "Class C0". The serine amino acid residue is found in multiple mammalian species, which suggests that this missense change does not adversely affect protein function. ClinVar contains an entry for this variant (Variation ID: 1056066). This variant has not been reported in the literature in individuals affected with CEP290-related conditions. The frequency data for this variant in the population databases is considered unreliable, as metrics indicate poor data quality at this position in the gnomAD database. This sequence change replaces asparagine, which is neutral and polar, with serine, which is neutral and polar, at codon 1597 of the CEP290 protein (p.Asn1597Ser). In summary, the available evidence is currently insufficient to determine the role of this variant in disease. Therefore, it has been classified as a Variant of Uncertain Significance.

NM_025114.4(CEP290):c.4790A>G (p.Asn1597Ser)

Gene: CEP290 (centrosomal protein 290; minus strand). Cytogenetic location: 12q21.32.
Variant type: single nucleotide variant.
Coding change: c.4790A>G on transcript NM_025114.4 (MANE Select); coding-DNA position 4790, A replaced by G.
Protein change: p.Asn1597Ser; replaces asparagine 1597 with serine.
Molecular consequence: missense variant.
Genome position (GRCh38, 1-based): chr12:88,083,869, T>C on the plus strand (A>G on the coding strand, the complement: CEP290 is on the minus strand). VCF-style: chr12-88083869-T-C. GRCh37 (hg19) VCF-style: chr12-88477646-T-C.
Other names: short protein forms N1597S.
Identifiers: ClinVar variation 1056066 (VCV001056066.12), dbSNP rs1352598713, ClinGen allele CA385993353.
Genomic context (GRCh38, chr12:88,083,869, plus strand): 5'-AATCAATAAAGAATGGAACAAAGTTCTTAGAATCTTACCCAAGCCGTTTGTTTGAATTTA[T>C]TTAGTGAACTATCAGCCTGTAGTTCTAATCTGTGATGAAGAATATGAAGGTCTTCCTCAT-3'
Protein context (NP_079390.3, residues 1587-1607): RLELQADSSL[Asn1597Ser]KFKQTAWDLM